The following is an entry in ClinVar:

NM_000069.3(CACNA1S):c.3337T>C (p.Tyr1113His)

Gene: CACNA1S (calcium voltage-gated channel subunit alpha1 S; minus strand). Cytogenetic location: 1q32.1.
Variant type: single nucleotide variant.
Coding change: c.3337T>C on transcript NM_000069.3 (MANE Select); coding-DNA position 3337, T replaced by C.
Protein change: p.Tyr1113His; replaces tyrosine 1113 with histidine.
Molecular consequence: missense variant.
Genome position (GRCh38, 1-based): chr1:201,060,735, A>G on the plus strand (T>C on the coding strand, the complement: CACNA1S is on the minus strand). VCF-style: chr1-201060735-A-G. GRCh37 (hg19) VCF-style: chr1-201029863-A-G.
Other names: short protein forms Y1113H.
Identifiers: ClinVar variation 473985 (VCV000473985.9), dbSNP rs1553249924, ClinGen allele CA344160593.

ClinVar aggregate classification (germline): Uncertain significance (1 of 4 stars; one submission).

Conditions:
Malignant hyperthermia, susceptibility to, 5 (MHS5). Also called: CACNA1S-Related Malignant Hyperthermia Susceptibility. Identifiers: Orphanet 423, MedGen C1866077, MONDO:0011163, OMIM 601887.
Hypokalemic periodic paralysis, type 1. Also called: HypoPP; Hypokalemic Periodic Paralysis Type 1 (AD). Identifiers: Orphanet 681, MedGen C3714580, MONDO:0042979, OMIM 170400.

Submission:

Labcorp Genetics (formerly Invitae), Labcorp
Classification: Uncertain significance for Hypokalemic periodic paralysis, type 1; Malignant hyperthermia, susceptibility to, 5. Last evaluated: 2017-04-29. Review status: criteria provided, single submitter. Criteria: Invitae Variant Classification Sherloc (09022015). Collection method: clinical testing. Allele origin: germline.
Comment: This sequence change replaces tyrosine with histidine at codon 1113 of the CACNA1S protein (p.Tyr1113His). The tyrosine residue is highly conserved and there is a moderate physicochemical difference between tyrosine and histidine. This variant is not present in population databases (ExAC no frequency) and has not been reported in the literature in individuals with a CACNA1S-related disease. Algorithms developed to predict the effect of missense changes on protein structure and function do not agree on the potential impact of this missense change (SIFT: "Deleterious"; PolyPhen-2: "Probably Damaging"; Align-GVGD: "Class C0"). In summary, this variant is a novel missense change with uncertain impact on protein function. It has been classified as a Variant of Uncertain Significance.